The following is an entry in ClinVar:

NM_001609.4(ACADSB):c.786G>A (p.Pro262=)

Gene: ACADSB (acyl-CoA dehydrogenase short/branched chain; plus strand). Cytogenetic location: 10q26.13.
Variant type: single nucleotide variant.
Coding change: c.786G>A on transcript NM_001609.4 (MANE Select); coding-DNA position 786, G replaced by A.
Protein change: p.Pro262=; no amino-acid change (proline 262 retained).
Molecular consequence: synonymous variant.
Genome position (GRCh38, 1-based): chr10:123,043,150, G>A. VCF-style: chr10-123043150-G-A. GRCh37 (hg19) VCF-style: chr10-124802666-G-A.
Other names: c.480G>A, p.Pro160= (NM_001330174.3).
Identifiers: ClinVar variation 299079 (VCV000299079.17), dbSNP rs76111609, ClinGen allele CA5730805.

ClinVar aggregate classification (germline): Benign/Likely benign. Review status: criteria provided, multiple submitters, no conflicts (2 of 4 stars). 4 submissions from 4 submitters: Benign (3); Likely benign (1). Last evaluated 2026-02-01.

Conditions:
Deficiency of 2-methylbutyryl-CoA dehydrogenase (ACADSB). Also called: 2-methylbutyryl-CoA dehydrogenase deficiency; SBCAD deficiency; 2-methylbutyric aciduria; Short branched-chain acyl-CoA dehydrogenase deficiency; 2-methylbutyrylglycinuria. Identifiers: Orphanet 79157, MedGen C1864912, MONDO:0012392, OMIM 610006, HP:0020147.

Allele frequency attached by ClinVar (database versions not stated): gnomAD exomes 0.00044 and 0.00113; ExAC 0.00136; gnomAD 0.00352 and 0.00373; TOPMed 0.00389; ESP Exome Variant Server 0.00392; 1000 Genomes Project 0.00539; 1000 Genomes Project 30x 0.00562.
gnomAD v4.1: 1,220 of 1,613,770 alleles (0.076%); highest among the groups gnomAD compares: African/African-American, 1.3%; 4 homozygotes.

Submissions (4):

Labcorp Genetics (formerly Invitae), Labcorp
Classification: Benign for Deficiency of 2-methylbutyryl-CoA dehydrogenase. Last evaluated: 2026-02-01. Review status: criteria provided, single submitter. Criteria: Invitae Variant Classification Sherloc (09022015). Collection method: clinical testing. Allele origin: germline.

Blueprint Genetics
Classification: Likely benign. Last evaluated: 2024-10-03. Review status: criteria provided, single submitter. Criteria: ACMG Guidelines, 2015. Collection method: clinical testing. Allele origin: germline.

Illumina Laboratory Services, Illumina
Classification: Benign for Deficiency of 2-methylbutyryl-CoA dehydrogenase. Last evaluated: 2018-01-13. Review status: criteria provided, single submitter. Criteria: ICSL Variant Classification Criteria 13 December 2019. Collection method: clinical testing. Allele origin: germline.
Comment: This variant was observed in the ICSL laboratory as part of a predisposition screen in an ostensibly healthy population. It had not been previously curated by ICSL or reported in the Human Gene Mutation Database (HGMD: prior to June 1st, 2018), and was therefore a candidate for classification through an automated scoring system. Utilizing variant allele frequency, disease prevalence and penetrance estimates, and inheritance mode, an automated score was calculated to assess if this variant is too frequent to cause the disease. Based on the score and internal cut-off values, a variant classified as benign is not then subjected to further curation. The score for this variant resulted in a classification of benign for this disease.

Breakthrough Genomics
Classification: Benign. Review status: criteria provided, single submitter. Criteria: ACMG Guidelines, 2015. Collection method: not provided. Allele origin: germline. Inheritance: Autosomal recessive inheritance. Affected: yes.